The following is an entry in ClinVar:

NM_020975.6(RET):c.638C>G (p.Pro213Arg)

Gene: RET (ret proto-oncogene; plus strand). Cytogenetic location: 10q11.21.
Variant type: single nucleotide variant.
Coding change: c.638C>G on transcript NM_020975.6 (MANE Select); coding-DNA position 638, C replaced by G.
Protein change: p.Pro213Arg; replaces proline 213 with arginine.
Molecular consequence: missense variant.
Genome position (GRCh38, 1-based): chr10:43,104,964, C>G. VCF-style: chr10-43104964-C-G. GRCh37 (hg19) VCF-style: chr10-43600412-C-G.
Other names: c.638C>G, p.Pro213Arg (NM_000323.2, NM_001406743.1, NM_001406744.1 and 8 more transcripts); c.-125C>G (NM_001355216.2); c.509C>G, p.Pro170Arg (NM_001406761.1, NM_001406762.1, NM_001406764.1 and 2 more transcripts); c.350C>G, p.Pro117Arg (NM_001406766.1, NM_001406767.1, NM_001406770.1); short protein forms P213R, P117R, P170R.
Identifiers: ClinVar variation 576086 (VCV000576086.11), dbSNP rs1313234246, ClinGen allele CA376544304.
Genomic context (GRCh38, chr10:43,104,964, plus strand): 5'-CGGTCCCGGCTGGTGATCACGCGGGGCCCCTGTCTGCTTGGTGCGCAGGTGAGGGTCTGC[C>G]CTTCCGCTGCGCCCCGGACAGCCTGGAGGTGAGCACGCGCTGGGCCCTGGACCGCGAGCA-3'
Protein context (NP_066124.1, residues 203-223): AYRLLEGEGL[Pro213Arg]FRCAPDSLEV

ClinVar aggregate classification (germline): Uncertain significance (1 of 4 stars; one submission).

Conditions:
Multiple endocrine neoplasia, type 2 (MEN2). Identifiers: Orphanet 653, MedGen C4048306, MONDO:0019003. Disease mechanism: gain of function.

gnomAD v4.1: 1 of 1,568,546 alleles (0.000064%); highest among the groups gnomAD compares: Non-Finnish European, 0.000086%; no homozygotes.

Submission:

Labcorp Genetics (formerly Invitae), Labcorp
Classification: Uncertain significance for Multiple endocrine neoplasia, type 2. Last evaluated: 2023-10-13. Review status: criteria provided, single submitter. Criteria: Invitae Variant Classification Sherloc (09022015). Collection method: clinical testing. Allele origin: germline.
Comment: This sequence change replaces proline, which is neutral and non-polar, with arginine, which is basic and polar, at codon 213 of the RET protein (p.Pro213Arg). This variant is not present in population databases (gnomAD no frequency). This variant has not been reported in the literature in individuals affected with RET-related conditions. ClinVar contains an entry for this variant (Variation ID: 576086). An algorithm developed to predict the effect of missense changes on protein structure and function (PolyPhen-2) suggests that this variant is likely to be disruptive. In summary, the available evidence is currently insufficient to determine the role of this variant in disease. Therefore, it has been classified as a Variant of Uncertain Significance.